The following is an entry in ClinVar:

NM_017752.3(TBC1D8B):c.2414T>C (p.Ile805Thr)

Gene: TBC1D8B (TBC1 domain family member 8B; plus strand). Cytogenetic location: Xq22.3.
Variant type: single nucleotide variant.
Coding change: c.2414T>C on transcript NM_017752.3 (MANE Select); coding-DNA position 2414, T replaced by C.
Protein change: p.Ile805Thr; replaces isoleucine 805 with threonine.
Molecular consequence: missense variant.
Genome position (GRCh38, 1-based): chrX:106,865,620, T>C. VCF-style: chrX-106865620-T-C. GRCh37 (hg19) VCF-style: chrX-106108850-T-C.
Other names: c.2264T>C, p.Ile755Thr (NM_001441214.1); c.2120T>C, p.Ile707Thr (NM_001441215.1); short protein forms I707T, I755T, I805T.
Identifiers: ClinVar variation 4291782 (VCV004291782.1).
Genomic context (GRCh38, chrX:106,865,620, plus strand): 5'-TGCGTGTTGTATCACAAGATGTGAAATTGAGCCTTCAAGAATTGGATGAACTTTATGTCA[T>C]CTTTAAGGTACTGTTGTTCTTCTTTAAATGAAAAATAATGCTTTTTTTTAGCAGAATTGT-3'
Protein context (NP_060222.2, residues 795-815): SLQELDELYV[Ile805Thr]FKKELFLSCY

ClinVar aggregate classification (germline): Uncertain significance (1 of 4 stars; one submission).

Conditions:
Nephrotic syndrome, type 20. Identifiers: MedGen C5193011, MONDO:0026726, OMIM 301028.

Submission:

3billion
Classification: Uncertain significance for Nephrotic syndrome, type 20. Last evaluated: 2024-06-22. Review status: criteria provided, single submitter. Criteria: ACMG Guidelines, 2015. Collection method: clinical testing. Allele origin: germline. Affected: yes.
Comment: The variant is not observed in the gnomAD v4.0.0 dataset. Predicted Consequence/Location: Missense variant Damaging effect on gene or gene product predicted by in silico programs is uncertain [REVEL: 0.18 (damaging >=0.6, benign <0.4), 3Cnet: 0.31 (damaging >=0.6, benign <0.15)]. Therefore, this variant is classified as VUS according to the recommendation of ACMG/AMP guideline.